The following is an entry in ClinVar:

ClinVar aggregate classification (germline): Pathogenic/Likely pathogenic. Review status: criteria provided, multiple submitters, no conflicts (2 of 4 stars). 3 submissions from 3 submitters: Pathogenic (1); Likely pathogenic (2). Last evaluated 2026-09-08.

Conditions:
Fabry disease. Also called: Fabry's disease; ALPHA-GALACTOSIDASE A DEFICIENCY; ANDERSON-FABRY DISEASE; CERAMIDE TRIHEXOSIDASE DEFICIENCY; GLA DEFICIENCY; Ceramide trihexosidosis. Identifiers: Orphanet 324, MedGen C0002986, MONDO:0010526, OMIM 301500, HP:0001071. Disease mechanism: loss of function, Fabry disease is due to inactivating mutations in the X-linked GLA gene resulting in deficiency of the enzyme Alpha Galactosidase-A..
Primary familial hypertrophic cardiomyopathy (HCM). Identifiers: Orphanet 99739, MedGen C0949658, MeSH D024741, MONDO:0024573. Inheritance: Various modes of inheritance.

Submissions (3):

Genomenon, Inc
Classification: Likely pathogenic for Fabry disease. Last evaluated: 2026-09-08. Review status: criteria provided, single submitter. Criteria: Genomenon Sequence Variant Interpretation Standards - Updated. Collection method: curation. Allele origin: germline. Affected: yes.
Comment: GLA p.Met290Thr (c.869T>C) is a missense variant that changes the amino acid at codon 290 from Methionine to Threonine. This variant has been observed in at least one proband with clinical features consistent with Fabry disease (PMID:38892211;39766319;30477121;38202225;36140787;33527381;38999464). The variant was found to segregate with disease in at least one affected family (PMID:36140787). Functional or patient cell studies have been reported (PMID:34944500;36140787;33527381). It is absent or not present at a significant frequency in gnomAD. In silico models predict that this variant is possibly or probably damaging. In conclusion, we classify GLA p.Met290Thr (c.869T>C) as a likely pathogenic variant.

Serv. Biochemistry and Molecular genetics, Hospital Clinic de Barcelona, Hospital Clínic de Barcelona
Classification: Pathogenic for Fabry disease. Last evaluated: 2026-05-21. Review status: criteria provided, single submitter. Criteria: ACMG Guidelines, 2015. Collection method: clinical testing. Allele origin: germline. Inheritance: X-linked inheritance. Affected: yes. Observed: 1 variant allele.
Comment: Classification reported in the manuscript using ACMG criteria/in silico tools: Pathogenic. Variant type: Missense; amino acid change: p.Met290Thr. Criteria: PM1, PM2, PM5, PP2, PP3, PS4,

Molecular Diagnostic Laboratory for Inherited Cardiovascular Disease, Montreal Heart Institute
Classification: Likely pathogenic for Primary familial hypertrophic cardiomyopathy. Review status: criteria provided, single submitter. Criteria: ACMG Guidelines, 2015. Collection method: clinical testing. Allele origin: germline. Affected: yes.

Literature cited by the submitters: PubMed 38892211 (cited by Genomenon, Inc); PubMed 39766319 (cited by Genomenon, Inc); PubMed 30477121 (cited by Genomenon, Inc and Serv. Biochemistry and Molecular genetics, Hospital Clinic de Barcelona, Hospital Clínic de Barcelona); PubMed 38202225 (cited by Genomenon, Inc); PubMed 36140787 (cited by Genomenon, Inc); PubMed 33527381 (cited by Genomenon, Inc); PubMed 38999464 (cited by Genomenon, Inc); PubMed 34944500 (cited by Genomenon, Inc); PubMed 15713906 (cited by Serv. Biochemistry and Molecular genetics, Hospital Clinic de Barcelona, Hospital Clínic de Barcelona); PubMed 16148726 (cited by Serv. Biochemistry and Molecular genetics, Hospital Clinic de Barcelona, Hospital Clínic de Barcelona); PubMed 22878505 (cited by Serv. Biochemistry and Molecular genetics, Hospital Clinic de Barcelona, Hospital Clínic de Barcelona); PubMed 27657681 (cited by Serv. Biochemistry and Molecular genetics, Hospital Clinic de Barcelona, Hospital Clínic de Barcelona); PubMed 30723321 (cited by Serv. Biochemistry and Molecular genetics, Hospital Clinic de Barcelona, Hospital Clínic de Barcelona); PubMed 32843101 (cited by Serv. Biochemistry and Molecular genetics, Hospital Clinic de Barcelona, Hospital Clínic de Barcelona); PubMed 36165155 (cited by Serv. Biochemistry and Molecular genetics, Hospital Clinic de Barcelona, Hospital Clínic de Barcelona); PubMed 36619006 (cited by Serv. Biochemistry and Molecular genetics, Hospital Clinic de Barcelona, Hospital Clínic de Barcelona); PubMed 36624527 (cited by Serv. Biochemistry and Molecular genetics, Hospital Clinic de Barcelona, Hospital Clínic de Barcelona).

NM_000169.3(GLA):c.869T>C (p.Met290Thr)

Genes: GLA (galactosidase alpha; minus strand), RPL36A-HNRNPH2 (RPL36A-HNRNPH2 readthrough; plus strand). Cytogenetic location: Xq22.1.
Variant type: single nucleotide variant.
Coding change: c.869T>C on transcript NM_000169.3 (MANE Select); coding-DNA position 869, T replaced by C.
Protein change: p.Met290Thr; replaces methionine 290 with threonine.
Molecular consequence: missense variant. On other transcripts: non-coding transcript variant (3), intron variant (2).
Genome position (GRCh38, 1-based): chrX:101,398,500, A>G on the plus strand (T>C on the coding strand, the complement: GLA is on the minus strand). VCF-style: chrX-101398500-A-G. GRCh37 (hg19) VCF-style: chrX-100653488-A-G.
Other names: c.992T>C, p.Met331Thr (NM_001406747.1); c.869T>C, p.Met290Thr (NM_001406748.1); c.300+3043A>G (NM_001199973.2); c.177+6678A>G (NM_001199974.2); short protein forms M290T, M331T.
Identifiers: ClinVar variation 684855 (VCV000684855.5), dbSNP rs1603038411, ClinGen allele CA413922640.
Genomic context (GRCh38, chrX:101,398,500, plus strand): 5'-AGAGCTTTGGCTTGAGGGCTGATGTGTCGGAGGTCATTAGACATGAATAAAGGAGCAGCC[A>G]TGATAGCCCAGAGGGCCATCTGAGTTACTTGCTGATTCCAGCTGAGGCCAAAGTTGCCAA-3'
Protein context (NP_000160.1, residues 280-300): QVTQMALWAI[Met290Thr]AAPLFMSNDL